The following is an entry in ClinVar:

ClinVar aggregate classification (germline): Pathogenic (1 of 4 stars; one submission).

Submission:

Labcorp Genetics (formerly Invitae), Labcorp
Classification: Pathogenic. Last evaluated: 2024-02-20. Review status: criteria provided, single submitter. Criteria: Invitae Variant Classification Sherloc (09022015). Collection method: clinical testing. Allele origin: germline.
Comment: This sequence change creates a premature translational stop signal (p.Phe43*) in the MCPH1 gene. It is expected to result in an absent or disrupted protein product. Loss-of-function variants in MCPH1 are known to be pathogenic (PMID: 20978018). This variant is not present in population databases (gnomAD no frequency). This variant has not been reported in the literature in individuals affected with MCPH1-related conditions. For these reasons, this variant has been classified as Pathogenic.

Literature cited by the submitters: PubMed 20978018.

NM_024596.5(MCPH1):c.128_129del (p.Thr42_Phe43insTer)

Gene: MCPH1 (microcephalin 1; plus strand). Cytogenetic location: 8p23.1.
Variant type: Deletion.
Coding change: c.128_129del on transcript NM_024596.5 (MANE Select); coding-DNA positions 128 to 129, 2 bases deleted (TT; older notation c.128_129delTT).
Protein change: p.Thr42_Phe43insTer.
Molecular consequence: nonsense. On other transcripts: non-coding transcript variant (1).
Genome position (GRCh38, 1-based): chr8:6,414,778-6,414,779, TT deleted; deleting any 2 consecutive bases within chr8:6,414,776-6,414,779 gives the same sequence; the c. name uses the placement nearest the transcript's 3' end. VCF-style (leftmost placement, unchanged base first): chr8-6414775-CTT-C. GRCh37 (hg19) VCF-style: chr8-6272296-CTT-C.
Other names: c.128_129del, p.Thr42_Phe43insTer (NM_001172574.2, NM_001172575.2, NM_001322042.2 and 4 more transcripts); c.122_123del, p.Thr40_Phe41insTer (NM_001322043.2); c.26_27del, p.Thr8_Phe9insTer (NM_001322045.2).
Identifiers: ClinVar variation 3008906 (VCV003008906.3), dbSNP rs2486140241, ClinGen allele CA2686004028.
Genomic context (GRCh38, chr8:6,414,775, plus strand): 5'-GTTGTGAATGAACAGTAATGTACATTTTGTTTTCTGCATTTTGTCTACAGGTTTCAAAAA[CTT>C]TTAACAAACAAGTAACTCACGTTATCTTCAAAGATGGCTACCAGAGCACTTGGGACAAAG-3'